The following is an entry in ClinVar:

ClinVar aggregate classification (germline): Uncertain significance (1 of 4 stars; one submission).

Submission:

GeneDx
Classification: Uncertain significance. Last evaluated: 2022-01-21. Review status: criteria provided, single submitter. Criteria: GeneDx Variant Classification Process June 2021. Collection method: clinical testing. Allele origin: germline. Affected: yes.
Comment: Not observed at significant frequency in large population cohorts (gnomAD); In silico analysis supports that this missense variant has a deleterious effect on protein structure/function; Has not been previously published as pathogenic or benign to our knowledge

NM_001291303.3(FAT4):c.13310G>A (p.Cys4437Tyr)

Gene: FAT4 (FAT atypical cadherin 4; plus strand). Cytogenetic location: 4q28.1.
Variant type: single nucleotide variant.
Coding change: c.13310G>A on transcript NM_001291303.3 (MANE Select); coding-DNA position 13310, G replaced by A.
Protein change: p.Cys4437Tyr; replaces cysteine 4437 with tyrosine.
Molecular consequence: missense variant.
Genome position (GRCh38, 1-based): chr4:125,490,126, G>A. VCF-style: chr4-125490126-G-A. GRCh37 (hg19) VCF-style: chr4-126411281-G-A.
Other names: c.13307G>A, p.Cys4436Tyr (NM_001291285.3); c.13304G>A, p.Cys4435Tyr (NM_024582.6); short protein forms C4435Y, C4436Y, C4437Y.
Identifiers: ClinVar variation 1698210 (VCV001698210.2), dbSNP rs2126096288, ClinGen allele CA358136123.